The following is an entry in ClinVar:

NM_001040108.2(MLH3):c.2582G>A (p.Arg861Lys)

Gene: MLH3 (mutL homolog 3; minus strand). Cytogenetic location: 14q24.3.
Variant type: single nucleotide variant.
Coding change: c.2582G>A on transcript NM_001040108.2 (MANE Select); coding-DNA position 2582, G replaced by A.
Protein change: p.Arg861Lys; replaces arginine 861 with lysine.
Molecular consequence: missense variant.
Genome position (GRCh38, 1-based): chr14:75,047,074, C>T on the plus strand (G>A on the coding strand, the complement: MLH3 is on the minus strand). VCF-style: chr14-75047074-C-T. GRCh37 (hg19) VCF-style: chr14-75513777-C-T.
Other names: c.2582G>A, p.Arg861Lys (NM_014381.3); short protein forms R861K.
Identifiers: ClinVar variation 3232492 (VCV003232492.1), dbSNP rs2503266309, ClinGen allele CA390439791.

ClinVar aggregate classification (germline): Uncertain significance (1 of 4 stars; one submission).

Submission:

Ambry Genetics
Classification: Uncertain significance. Last evaluated: 2024-01-28. Review status: criteria provided, single submitter. Criteria: Ambry Variant Classification Scheme 2023. Collection method: clinical testing. Allele origin: germline.
Comment: The p.R861K variant (also known as c.2582G>A), located in coding exon 1 of the MLH3 gene, results from a G to A substitution at nucleotide position 2582. The arginine at codon 861 is replaced by lysine, an amino acid with highly similar properties. This amino acid position is conserved. In addition, this alteration is predicted to be tolerated by in silico analysis. Based on the available evidence, the clinical significance of this alteration remains unclear.